The following is an entry in ClinVar:

ClinVar aggregate classification (germline): Uncertain significance (1 of 4 stars; one submission).

Conditions:
Retinoblastoma (RB1). Also called: RETINOBLASTOMA, SOMATIC. Identifiers: Orphanet 790, MedGen C0035335, MeSH D012175, MONDO:0008380, OMIM 180200, HP:0009919. Disease mechanism: loss of function. Inheritance: Both sporadic and heritable forms are tested..

Submission:

Labcorp Genetics (formerly Invitae), Labcorp
Classification: Uncertain significance for Retinoblastoma. Last evaluated: 2024-04-30. Review status: criteria provided, single submitter. Criteria: Invitae Variant Classification Sherloc (09022015). Collection method: clinical testing. Allele origin: germline.
Comment: This sequence change replaces tyrosine, which is neutral and polar, with cysteine, which is neutral and slightly polar, at codon 805 of the RB1 protein (p.Tyr805Cys). This variant is not present in population databases (gnomAD no frequency). This variant has not been reported in the literature in individuals affected with RB1-related conditions. ClinVar contains an entry for this variant (Variation ID: 2079384). Advanced modeling of protein sequence and biophysical properties (such as structural, functional, and spatial information, amino acid conservation, physicochemical variation, residue mobility, and thermodynamic stability) performed at Invitae indicates that this missense variant is expected to disrupt RB1 protein function with a positive predictive value of 80%. In summary, the available evidence is currently insufficient to determine the role of this variant in disease. Therefore, it has been classified as a Variant of Uncertain Significance.

NM_000321.3(RB1):c.2414A>G (p.Tyr805Cys)

Gene: RB1 (RB transcriptional corepressor 1; plus strand). Cytogenetic location: 13q14.2.
Variant type: single nucleotide variant.
Coding change: c.2414A>G on transcript NM_000321.3 (MANE Select); coding-DNA position 2414, A replaced by G.
Protein change: p.Tyr805Cys; replaces tyrosine 805 with cysteine.
Molecular consequence: missense variant.
Genome position (GRCh38, 1-based): chr13:48,465,293, A>G. VCF-style: chr13-48465293-A-G. GRCh37 (hg19) VCF-style: chr13-49039429-A-G.
Other names: c.2414A>G, p.Tyr805Cys (NM_001407165.1); short protein forms Y805C.
Identifiers: ClinVar variation 2079384 (VCV002079384.4), dbSNP rs2138345908, ClinGen allele CA388167930.